The following is an entry in ClinVar:

ClinVar aggregate classification (germline): Benign. Review status: criteria provided, multiple submitters, no conflicts (2 of 4 stars). 3 submissions from 3 submitters: Benign (3). Last evaluated 2025-11-16.

Conditions:
Oculotrichoanal syndrome (MOTA). Also called: Manitoba Oculotrichoanal (MOTA) Syndrome; MARLES SYNDROME. Identifiers: Orphanet 2717, MedGen C1855425, MONDO:0009560, OMIM 248450.

Allele frequency attached by ClinVar (database versions not stated): gnomAD exomes 0.00034 and 0.00109; ExAC 0.00140; 1000 Genomes Project 0.00359; 1000 Genomes Project 30x 0.00390; gnomAD 0.00416 and 0.00451; ESP Exome Variant Server 0.00444; TOPMed 0.00453.
gnomAD v4.1: 1,163 of 1,596,062 alleles (0.073%); highest among the groups gnomAD compares: African/African-American, 1.3%; 8 homozygotes.

Submissions (3):

Labcorp Genetics (formerly Invitae), Labcorp
Classification: Benign. Last evaluated: 2025-11-16. Review status: criteria provided, single submitter. Criteria: Invitae Variant Classification Sherloc (09022015). Collection method: clinical testing. Allele origin: germline.

Illumina Laboratory Services, Illumina
Classification: Benign for Oculotrichoanal syndrome. Last evaluated: 2018-01-12. Review status: criteria provided, single submitter. Criteria: ICSL Variant Classification Criteria 13 December 2019. Collection method: clinical testing. Allele origin: germline.
Comment: This variant was observed in the ICSL laboratory as part of a predisposition screen in an ostensibly healthy population. It had not been previously curated by ICSL or reported in the Human Gene Mutation Database (HGMD: prior to June 1st, 2018), and was therefore a candidate for classification through an automated scoring system. Utilizing variant allele frequency, disease prevalence and penetrance estimates, and inheritance mode, an automated score was calculated to assess if this variant is too frequent to cause the disease. Based on the score and internal cut-off values, a variant classified as benign is not then subjected to further curation. The score for this variant resulted in a classification of benign for this disease.

Breakthrough Genomics
Classification: Benign. Review status: criteria provided, single submitter. Criteria: ACMG Guidelines, 2015. Collection method: not provided. Allele origin: germline. Inheritance: Autosomal recessive inheritance. Affected: yes.

NM_001379081.2(FREM1):c.635T>G (p.Leu212Arg)

Gene: FREM1 (FRAS1 related extracellular matrix 1; minus strand). Cytogenetic location: 9p22.3.
Variant type: single nucleotide variant.
Coding change: c.635T>G on transcript NM_001379081.2 (MANE Select); coding-DNA position 635, T replaced by G.
Protein change: p.Leu212Arg; replaces leucine 212 with arginine.
Molecular consequence: missense variant. On other transcripts: non-coding transcript variant (4).
Genome position (GRCh38, 1-based): chr9:14,857,746, A>C on the plus strand (T>G on the coding strand, the complement: FREM1 is on the minus strand). VCF-style: chr9-14857746-A-C. GRCh37 (hg19) VCF-style: chr9-14857744-A-C.
Other names: c.662T>G, p.Leu221Arg (NM_001370060.1); c.635T>G, p.Leu212Arg (NM_001370063.1, NM_001370065.1, NM_144966.7); short protein forms L212R, L221R.
Identifiers: ClinVar variation 785278 (VCV000785278.14), dbSNP rs145369669, ClinGen allele CA4991500.
Genomic context (GRCh38, chr9:14,857,746, plus strand): 5'-CTTCCTATTTTCTTTAATCCTGGGGTACAGCTCCCACCTGGACACTTCAGTTTTGCTCTC[A>C]GTTCTAGAATGTACAGCACTGGATTAAGAGAGTCACTTAAACATAACAATTGTAAAATTT-3'
Protein context (NP_001366010.1, residues 202-222): QPHSFFPESQ[Leu212Arg]RAKLKCPGGS